The following is an entry in ClinVar:

ClinVar aggregate classification (germline): other (0 of 4 stars; one submission).

Conditions:
Familial colorectal cancer. Identifiers: MedGen CN280943, MONDO:0023113. Disease mechanism: loss of function.

Allele frequency attached by ClinVar (database versions not stated): gnomAD 0.40247 and 0.41544; TOPMed 0.41654; 1000 Genomes Project 30x 0.44004; 1000 Genomes Project 0.44549; gnomAD exomes 0.50827.
gnomAD v4.1: 88,550 of 201,680 alleles (44%); highest among the groups gnomAD compares: East Asian, 66%; 22,308 homozygotes.

Submission:

Systems Biology Platform Zhejiang California International NanoSystems Institute
Classification: other for Familial colorectal cancer. Review status: no assertion criteria provided. Collection method: not provided. Allele origin: unknown.
ClinVar note: Converted during submission from cancer to other.

NM_000038.6(APC):c.531+2301C>T

Gene: APC (APC regulator of WNT signaling pathway; plus strand). Cytogenetic location: 5q22.2.
Variant type: single nucleotide variant.
Coding change: c.531+2301C>T on transcript NM_000038.6 (MANE Select); 2301 bases into the intron after coding-DNA position 531, C replaced by T.
Molecular consequence: intron variant.
Genome position (GRCh38, 1-based): chr5:112,778,038, C>T. VCF-style: chr5-112778038-C-T. GRCh37 (hg19) VCF-style: chr5-112113735-C-T.
Other names: c.531+2301C>T (NM_001354895.2, NM_001127510.3, NM_001354896.2 and 2 more transcripts); c.561+2301C>T (NM_001354897.2, NM_001354902.2, NM_001127511.3); c.456+2301C>T (NM_001354898.2, NM_001354904.2); c.-505+2301C>T (NM_001354906.2); c.354+2301C>T (NM_001354900.2, NM_001354901.2, NM_001354905.2).
Identifiers: ClinVar variation 82925 (VCV000082925.2), dbSNP rs396321, ClinGen allele CA010154.